The following is an entry in ClinVar:

ClinVar aggregate classification (germline): Pathogenic. Review status: criteria provided, multiple submitters, no conflicts (2 of 4 stars). 3 submissions from 3 submitters: Pathogenic (2). 1 of the submissions does not count toward it. Last evaluated 2026-01-07.

Conditions:
Hereditary diffuse gastric adenocarcinoma (HDGC). Also called: DIFFUSE GASTRIC AND LOBULAR BREAST CANCER SYNDROME. Identifiers: Orphanet 26106, MedGen C1708349, MONDO:0007648, OMIM 137215.
CTNNA1-related disorder. Also called: CTNNA1-related condition.

Submissions (3):

Labcorp Genetics (formerly Invitae), Labcorp
Classification: Pathogenic. Last evaluated: 2026-01-07. Review status: criteria provided, single submitter. Criteria: Invitae Variant Classification Sherloc (09022015). Collection method: clinical testing. Allele origin: germline.
Comment: This sequence change creates a premature translational stop signal (p.Thr34Hisfs*7) in the CTNNA1 gene. It is expected to result in an absent or disrupted protein product. Loss-of-function variants in CTNNA1 are known to be pathogenic (PMID: 32051609, 34425242). This variant is not present in population databases (gnomAD no frequency). This variant has not been reported in the literature in individuals affected with CTNNA1-related conditions. ClinVar contains an entry for this variant (Variation ID: 2673295). For these reasons, this variant has been classified as Pathogenic.

Myriad Genetics, Inc.
Classification: Pathogenic for Hereditary diffuse gastric adenocarcinoma. Last evaluated: 2023-07-05. Review status: criteria provided, single submitter. Criteria: Myriad Autosomal Dominant, Autosomal Recessive and X-Linked Classification Criteria (2023). Collection method: clinical testing. Allele origin: unknown.
Comment: This variant is considered pathogenic. This variant creates a frameshift predicted to result in premature protein truncation.

PreventionGenetics, part of Exact Sciences
Classification: Uncertain significance for CTNNA1-related condition. Last evaluated: 2023-11-07. Review status: no assertion criteria provided. Collection method: clinical testing. Allele origin: germline. Not counted in ClinVar's aggregate classification.
Comment: The CTNNA1 c.99delT variant is predicted to result in a frameshift and premature protein termination (p.Thr34Hisfs*7). To our knowledge, this variant has not been reported in the literature or in a large population database, indicating it is rare. Currently, there is not sufficient evidence demonstrating that loss of function variants in CTNNA1 are pathogenic. However, a small number of CTNNA1 loss of function variants have been reported in individuals with gastric and breast cancer (Clark et al. 2020. PMID: 32051609). At this time, the clinical significance of this variant is uncertain due to the absence of conclusive functional and genetic evidence.

Literature cited by the submitters: PubMed 32051609 (cited by Labcorp Genetics (formerly Invitae), Labcorp); PubMed 34425242 (cited by Labcorp Genetics (formerly Invitae), Labcorp).

NM_001903.5(CTNNA1):c.99del (p.Thr34fs)

Gene: CTNNA1 (catenin alpha 1; plus strand). Cytogenetic location: 5q31.2.
Variant type: Deletion.
Coding change: c.99del on transcript NM_001903.5 (MANE Select); coding-DNA position 99, one base deleted (T; older notation c.99delT).
Protein change: p.Thr34fs; shifts the reading frame from threonine 34.
Molecular consequence: frameshift variant. On other transcripts: 5 prime UTR variant (2).
Genome position (GRCh38, 1-based): chr5:138,782,023, T deleted; the last of 2 consecutive T bases (chr5:138,782,022-138,782,023); deleting either gives the same sequence. VCF-style (leftmost placement, unchanged base first): chr5-138782021-GT-G. GRCh37 (hg19) VCF-style: chr5-138117710-GT-G.
Other names: c.99del, p.Thr34fs (NM_001290307.3, NM_001323982.2, NM_001323983.1 and 3 more transcripts); c.-15del (NM_001290309.3); c.-108del (NM_001290310.3); c.99delT (NM_001903.4); short protein forms T34fs.
Identifiers: ClinVar variation 2673295 (VCV002673295.6), dbSNP rs2532171064, ClinGen allele CA2695198752.